The following is an entry in ClinVar:

ClinVar aggregate classification (germline): Likely pathogenic. Review status: criteria provided, multiple submitters, no conflicts (2 of 4 stars). 2 submissions from 2 submitters: Likely pathogenic (2). Last evaluated 2018-04-12.

Conditions:
Kabuki syndrome 2 (KABUK2). Also called: KDM6A-Related Kabuki Syndrome. Identifiers: Orphanet 2322, MedGen C3275495, MONDO:0010465, OMIM 300867.

Submissions (2):

GeneDx
Classification: Likely pathogenic. Last evaluated: 2018-04-12. Review status: criteria provided, single submitter. Criteria: GeneDx Variant Classification (06012015). Collection method: clinical testing. Allele origin: germline. Affected: yes.
Comment: The c.75_90dup16 variant has not been published as a pathogenic variant, nor has it been reported as a benign variant to our knowledge. The c.75_90dup16 variant causes a frameshift starting with codon Serine 31, changes this amino acid to a Glycine residue and creates a premature Stop codon at position 39 of the new reading frame, denoted p.Ser31GlyfsX39. This variant is predicted to cause loss of normal protein function either through protein truncation or nonsense-mediated mRNA decay. Furthermore, the c.75_90dup16 variant is not observed in large population cohorts (Lek et al., 2016). Therefore, this variant is likely pathogenic; however, the possibility that it is benign cannot be excluded.

Clinical Genetics Service, Universitary Hospital 12 de Octubre
Classification: Likely pathogenic for Kabuki syndrome 2. Review status: criteria provided, single submitter. Criteria: ACMG Guidelines, 2015. Collection method: clinical testing. Allele origin: germline. Affected: yes.

NM_001291415.2(KDM6A):c.75_90dup (p.Ser31fs)

Gene: KDM6A (lysine demethylase 6A; plus strand). Cytogenetic location: Xp11.3.
Variant type: Duplication.
Coding change: c.75_90dup on transcript NM_001291415.2 (MANE Select); coding-DNA positions 75 to 90, 16 bases duplicated (GGCGGCGGGAAAAGCG).
Protein change: p.Ser31fs; shifts the reading frame from serine 31.
Molecular consequence: frameshift variant. On other transcripts: 5 prime UTR variant (1), non-coding transcript variant (1).
Genome position (GRCh38, 1-based): chrX:44,873,626-44,873,641, GGCGGCGGGAAAAGCG duplicated. VCF-style (leftmost placement, unchanged base first): chrX-44873625-T-TGGCGGCGGGAAAAGCG. GRCh37 (hg19) VCF-style: chrX-44732871-T-TGGCGGCGGGAAAAGCG.
Other names: c.75_90dup, p.Ser31fs (NM_001291416.2, NM_001291417.2, NM_001291418.2 and 1 more transcripts); c.-558_-543dup (NM_001291421.2); short protein forms S31fs.
Identifiers: ClinVar variation 524077 (VCV000524077.3), dbSNP rs1555957162, ClinGen allele CA658799727.